The following is an entry in ClinVar:

NM_033026.6(PCLO):c.13583G>A (p.Gly4528Glu)

Gene: PCLO (piccolo presynaptic cytomatrix protein; minus strand). Cytogenetic location: 7q21.11.
Variant type: single nucleotide variant.
Coding change: c.13583G>A on transcript NM_033026.6 (MANE Select); coding-DNA position 13583, G replaced by A.
Protein change: p.Gly4528Glu; replaces glycine 4528 with glutamic acid.
Molecular consequence: missense variant.
Genome position (GRCh38, 1-based): chr7:82,879,408, C>T on the plus strand (G>A on the coding strand, the complement: PCLO is on the minus strand). VCF-style: chr7-82879408-C-T. GRCh37 (hg19) VCF-style: chr7-82508724-C-T.
Other names: c.13583G>A, p.Gly4528Glu (NM_014510.3); c.13583G>A (NM_033026.5); short protein forms G4528E.
Identifiers: ClinVar variation 1524085 (VCV001524085.5), dbSNP rs199732601, ClinGen allele CA4319094.

ClinVar aggregate classification (germline): Uncertain significance. Review status: criteria provided, multiple submitters, no conflicts (2 of 4 stars). 2 submissions from 2 submitters: Uncertain significance (2). Last evaluated 2024-12-23.

Conditions:
Inborn genetic diseases. Identifiers: MedGen C0950123, MeSH D030342.

Allele frequency attached by ClinVar (database versions not stated): ExAC 0.00025; gnomAD exomes 0.00026 and 0.00033; gnomAD 0.00034; TOPMed 0.00040; ESP Exome Variant Server 0.00042; 1000 Genomes Project 0.00060; 1000 Genomes Project 30x 0.00062.
gnomAD v4.1: 556 of 1,609,816 alleles (0.035%); highest among the groups gnomAD compares: Admixed American, 0.043%; no homozygotes.

Submissions (2):

Ambry Genetics
Classification: Uncertain significance for Inborn genetic diseases. Last evaluated: 2024-12-23. Review status: criteria provided, single submitter. Criteria: Ambry Variant Classification Scheme 2023. Collection method: clinical testing. Allele origin: germline.

Labcorp Genetics (formerly Invitae), Labcorp
Classification: Uncertain significance. Last evaluated: 2022-10-05. Review status: criteria provided, single submitter. Criteria: Invitae Variant Classification Sherloc (09022015). Collection method: clinical testing. Allele origin: germline.
Comment: This sequence change replaces glycine, which is neutral and non-polar, with glutamic acid, which is acidic and polar, at codon 4528 of the PCLO protein (p.Gly4528Glu). This variant is present in population databases (rs199732601, gnomAD 0.04%). This variant has not been reported in the literature in individuals affected with PCLO-related conditions. ClinVar contains an entry for this variant (Variation ID: 1524085). Algorithms developed to predict the effect of missense changes on protein structure and function are either unavailable or do not agree on the potential impact of this missense change (SIFT: "Tolerated"; PolyPhen-2: "Not Available"; Align-GVGD: "Class C0"). In summary, the available evidence is currently insufficient to determine the role of this variant in disease. Therefore, it has been classified as a Variant of Uncertain Significance.